The following is an entry in ClinVar:

ClinVar aggregate classification (germline): Uncertain significance (1 of 4 stars; one submission).

Conditions:
Vertebral anomalies and variable endocrine and T-cell dysfunction. Identifiers: MedGen C4748741, MONDO:0032607, OMIM 618223.

Submission:

Laboratorio de Genetica e Diagnostico Molecular, Hospital Israelita Albert Einstein
Classification: Uncertain significance for Vertebral anomalies and variable endocrine and T-cell dysfunction. Last evaluated: 2022-05-16. Review status: criteria provided, single submitter. Criteria: ACMG Guidelines, 2015. Collection method: clinical testing. Allele origin: germline. Affected: yes.
Comment: ACMG classification criteria: PM2 moderated, BP4 supporting

NM_005994.4(TBX2):c.1934G>A (p.Gly645Asp)

Gene: TBX2 (T-box transcription factor 2; plus strand). Cytogenetic location: 17q23.2.
Variant type: single nucleotide variant.
Coding change: c.1934G>A on transcript NM_005994.4 (MANE Select); coding-DNA position 1934, G replaced by A.
Protein change: p.Gly645Asp; replaces glycine 645 with aspartic acid.
Molecular consequence: missense variant.
Genome position (GRCh38, 1-based): chr17:61,408,301, G>A. VCF-style: chr17-61408301-G-A. GRCh37 (hg19) VCF-style: chr17-59485662-G-A.
Other names: short protein forms G645D.
Identifiers: ClinVar variation 2431855 (VCV002431855.2), dbSNP rs2509523160, ClinGen allele CA400476959.
Genomic context (GRCh38, chr17:61,408,301, plus strand): 5'-AGATCCCGGTCACCATCCCGCCTAGCACTAGCCTCCTCACCACCGGGCTGGCCTCTGAGG[G>A]CTCCAAGGCCGCTGGTGGAAACAGCCGGGAGCCTAGCCCCCTGCCCGAGCTGGCTCTCCG-3'
Protein context (NP_005985.3, residues 635-655): SLLTTGLASE[Gly645Asp]SKAAGGNSRE